The following is an entry in ClinVar:

ClinVar aggregate classification (germline): Uncertain significance (1 of 4 stars; one submission).

Conditions:
Hereditary cancer-predisposing syndrome. Also called: Hereditary neoplastic syndrome; Neoplastic Syndromes, Hereditary; Tumor predisposition; Hereditary Cancer Syndrome. Identifiers: Orphanet 140162, MedGen C0027672, MeSH D009386, MONDO:0015356.

Submission:

Ambry Genetics
Classification: Uncertain significance for Hereditary cancer-predisposing syndrome. Last evaluated: 2025-07-21. Review status: criteria provided, single submitter. Criteria: Ambry Variant Classification Scheme 2023. Collection method: clinical testing. Allele origin: germline.
Comment: The p.S535P variant (also known as c.1603T>C), located in coding exon 11 of the NBN gene, results from a T to C substitution at nucleotide position 1603. The serine at codon 535 is replaced by proline, an amino acid with similar properties. This amino acid position is conserved. In addition, this alteration is predicted to be tolerated by in silico analysis. Based on the available evidence, the clinical significance of this variant remains unclear.

NM_002485.5(NBN):c.1603T>C (p.Ser535Pro)

Gene: NBN (nibrin; minus strand). Cytogenetic location: 8q21.3.
Variant type: single nucleotide variant.
Coding change: c.1603T>C on transcript NM_002485.5 (MANE Select); coding-DNA position 1603, T replaced by C.
Protein change: p.Ser535Pro; replaces serine 535 with proline.
Molecular consequence: missense variant.
Genome position (GRCh38, 1-based): chr8:89,953,486, A>G on the plus strand (T>C on the coding strand, the complement: NBN is on the minus strand). VCF-style: chr8-89953486-A-G. GRCh37 (hg19) VCF-style: chr8-90965714-A-G.
Other names: c.1357T>C, p.Ser453Pro (NM_001024688.3, NM_001440379.1, NM_001440380.1); short protein forms S453P, S535P.
Identifiers: ClinVar variation 4117270 (VCV004117270.1).